The following is an entry in ClinVar:

ClinVar aggregate classification (germline): Uncertain significance (1 of 4 stars; one submission).

Conditions:
Cystic fibrosis (CF). Also called: MUCOVISCIDOSIS. Identifiers: Orphanet 586, MedGen C0010674, MONDO:0009061, OMIM 219700. Disease mechanism: loss of function.

Allele frequency attached by ClinVar (database versions not stated): gnomAD 0.00001.

Submission:

Ambry Genetics
Classification: Uncertain significance for Cystic fibrosis. Last evaluated: 2018-04-12. Review status: criteria provided, single submitter. Criteria: Ambry Variant Classification Scheme 2023. Collection method: clinical testing. Allele origin: germline.
Comment: The c.-687T>C alteration is located in the 5' untranslated region (5'UTR) of the CFTR gene. This alteration consists of a T to C substitution nucleotides upstream from the first translated codon. Based on insufficient or conflicting evidence, the clinical significance of this alteration remains unclear.

NM_000492.3(CFTR):c.-687T>C

Genes: CFTR (CF transmembrane conductance regulator; plus strand), LOC111674463 (CFTR promoter region; plus strand). Cytogenetic location: 7q31.2.
Variant type: single nucleotide variant.
Coding change: c.-687T>C on transcript NM_000492.3; 687 bases upstream of the start codon, T replaced by C.
Genome position (GRCh38, 1-based): chr7:117,479,408, T>C. VCF-style: chr7-117479408-T-C. GRCh37 (hg19) VCF-style: chr7-117119462-T-C.
Identifiers: ClinVar variation 3076102 (VCV003076102.1), dbSNP rs1265630286, ClinGen allele CA832112479.